The following is an entry in ClinVar:

ClinVar aggregate classification (germline): Pathogenic (1 of 4 stars; one submission).

Submission:

GeneDx
Classification: Pathogenic. Last evaluated: 2024-06-01. Review status: criteria provided, single submitter. Criteria: GeneDx Variant Classification Process June 2021. Collection method: clinical testing. Allele origin: germline. Affected: yes.
Comment: Frameshift variant predicted to result in protein truncation or nonsense mediated decay in a gene for which loss-of-function is a known mechanism of disease; Not observed in large population cohorts (gnomAD); Has not been previously published as pathogenic or benign to our knowledge

NM_001378183.1(PIEZO2):c.2683_2696del (p.Tyr895fs)

Gene: PIEZO2 (piezo type mechanosensitive ion channel component 2; minus strand). Cytogenetic location: 18p11.22.
Variant type: Deletion.
Coding change: c.2683_2696del on transcript NM_001378183.1 (MANE Select); coding-DNA positions 2683 to 2696, 14 bases deleted (TACTCTGAAAAAGC).
Protein change: p.Tyr895fs; shifts the reading frame from tyrosine 895.
Molecular consequence: frameshift variant.
Genome position (GRCh38, 1-based): chr18:10,773,501-10,773,514, GCTTTTTCAGAGTA deleted on the plus strand (TACTCTGAAAAAGC on the coding strand, the reverse complement: PIEZO2 is on the minus strand); deleting any 14 consecutive bases within chr18:10,773,501-10,773,516 gives the same sequence; the c. name uses the placement nearest the transcript's 3' end. VCF-style (leftmost placement, unchanged base first): chr18-10773500-GGCTTTTTCAGAGTA-G. GRCh37 (hg19) VCF-style: chr18-10773498-GGCTTTTTCAGAGTA-G.
Other names: c.2608_2621del, p.Tyr870fs (NM_022068.4); short protein forms Y870fs, Y895fs.
Identifiers: ClinVar variation 1331254 (VCV001331254.4), dbSNP rs2144002934, ClinGen allele CA2573054622.
Genomic context (GRCh38, chr18:10,773,500, plus strand): 5'-CTCCTCTTCCTCTCCGTCCTCCTCTGACTCCTCGCTGTCTTTCCCAAGATCACCCTTCTG[GGCTTTTTCAGAGTA>G]GCCCTCAAGCTTCTCCTCCCCAGGCTCAGCCAACTTCCTCACCTCCGGCTTCTCCAGGCT-3'